The following is an entry in ClinVar:

NM_014989.7(RIMS1):c.3685A>C (p.Met1229Leu)

Gene: RIMS1 (regulating synaptic membrane exocytosis 1; plus strand). Cytogenetic location: 6q13.
Variant type: single nucleotide variant.
Coding change: c.3685A>C on transcript NM_014989.7 (MANE Select); coding-DNA position 3685, A replaced by C.
Protein change: p.Met1229Leu; replaces methionine 1229 with leucine.
Molecular consequence: missense variant. On other transcripts: intron variant (56).
Genome position (GRCh38, 1-based): chr6:72,290,809, A>C. VCF-style: chr6-72290809-A-C. GRCh37 (hg19) VCF-style: chr6-73000512-A-C.
Other names: c.1759A>C, p.Met587Leu (NM_001350420.2); c.1741A>C, p.Met581Leu (NM_001350431.2); c.1828A>C, p.Met610Leu (NM_001350438.2, NM_001350456.2); c.1831A>C, p.Met611Leu (NM_001350442.2, NM_001350446.2); c.1690A>C, p.Met564Leu (NM_001350462.2); c.1632-1125A>C (NM_001350428.2); c.1560-1125A>C (NM_001350459.2, NM_001350424.2); c.1641-1125A>C (NM_001350437.2); and 31 more; short protein forms M1229L, M564L, M581L, M587L, M610L, M611L.
Identifiers: ClinVar variation 3618640 (VCV003618640.3).

ClinVar aggregate classification (germline): Uncertain significance. Review status: criteria provided, multiple submitters, no conflicts (2 of 4 stars). 2 submissions from 2 submitters: Uncertain significance (2). Last evaluated 2024-07-01.

Submissions (2):

Labcorp Genetics (formerly Invitae), Labcorp
Classification: Uncertain significance. Last evaluated: 2024-07-01. Review status: criteria provided, single submitter. Criteria: Invitae Variant Classification Sherloc (09022015). Collection method: clinical testing. Allele origin: germline.
Comment: This sequence change replaces methionine, which is neutral and non-polar, with leucine, which is neutral and non-polar, at codon 1229 of the RIMS1 protein (p.Met1229Leu). This variant is present in population databases (rs770029969, gnomAD 0.007%). This variant has not been reported in the literature in individuals affected with RIMS1-related conditions. Algorithms developed to predict the effect of missense changes on protein structure and function output the following: SIFT: "Not Available"; PolyPhen-2: "Benign"; Align-GVGD: "Not Available". The leucine amino acid residue is found in multiple mammalian species, which suggests that this missense change does not adversely affect protein function. In summary, the available evidence is currently insufficient to determine the role of this variant in disease. Therefore, it has been classified as a Variant of Uncertain Significance.

Blueprint Genetics
Classification: Uncertain significance. Last evaluated: 2024-02-28. Review status: criteria provided, single submitter. Criteria: ACMG Guidelines, 2015. Collection method: clinical testing. Allele origin: germline.